The following is an entry in ClinVar:

NM_001253697.2(ERBIN):c.2660T>G (p.Leu887Arg)

Gene: ERBIN (erbb2 interacting protein; plus strand). Cytogenetic location: 5q12.3.
Variant type: single nucleotide variant.
Coding change: c.2660T>G on transcript NM_001253697.2 (MANE Select); coding-DNA position 2660, T replaced by G.
Protein change: p.Leu887Arg; replaces leucine 887 with arginine.
Molecular consequence: missense variant.
Genome position (GRCh38, 1-based): chr5:66,053,978, T>G. VCF-style: chr5-66053978-T-G. GRCh37 (hg19) VCF-style: chr5-65349806-T-G.
Other names: c.2660T>G, p.Leu887Arg (NM_001006600.3, NM_001253698.2, NM_001253699.2 and 1 more transcripts); c.2648T>G, p.Leu883Arg (NM_001253701.2); short protein forms L883R, L887R.
Identifiers: ClinVar variation 3673659 (VCV003673659.2).

ClinVar aggregate classification (germline): Uncertain significance (1 of 4 stars; one submission).

gnomAD v4.1: 1 of 1,614,130 alleles (0.000062%); highest among the groups gnomAD compares: African/African-American, 0.0013%; no homozygotes.

Submission:

Labcorp Genetics (formerly Invitae), Labcorp
Classification: Uncertain significance. Last evaluated: 2025-01-05. Review status: criteria provided, single submitter. Criteria: Invitae Variant Classification Sherloc (09022015). Collection method: clinical testing. Allele origin: germline.
Comment: This sequence change replaces leucine, which is neutral and non-polar, with arginine, which is basic and polar, at codon 887 of the ERBIN protein (p.Leu887Arg). This variant is not present in population databases (gnomAD no frequency). This variant has not been reported in the literature in individuals affected with ERBIN-related conditions. An algorithm developed to predict the effect of missense changes on protein structure and function (PolyPhen-2) suggests that this variant is likely to be tolerated. In summary, the available evidence is currently insufficient to determine the role of this variant in disease. Therefore, it has been classified as a Variant of Uncertain Significance.